The following is an entry in ClinVar:

NM_007254.4(PNKP):c.203G>C (p.Gly68Ala)

Gene: PNKP (polynucleotide kinase 3'-phosphatase; minus strand). Cytogenetic location: 19q13.33.
Variant type: single nucleotide variant.
Coding change: c.203G>C on transcript NM_007254.4 (MANE Select); coding-DNA position 203, G replaced by C.
Protein change: p.Gly68Ala; replaces glycine 68 with alanine.
Molecular consequence: missense variant.
Genome position (GRCh38, 1-based): chr19:49,865,422, C>G on the plus strand (G>C on the coding strand, the complement: PNKP is on the minus strand). VCF-style: chr19-49865422-C-G. GRCh37 (hg19) VCF-style: chr19-50368679-C-G.
Other names: p.G68A:GGA>GCA; c.203G>C (NM_007254.3); short protein forms G68A.
Identifiers: ClinVar variation 206431 (VCV000206431.3), dbSNP rs796052864, ClinGen allele CA316531.

ClinVar aggregate classification (germline): Uncertain significance. Review status: criteria provided, multiple submitters, no conflicts (2 of 4 stars). 2 submissions from 2 submitters: Uncertain significance (2). Last evaluated 2025-08-05.

Conditions:
Inborn genetic diseases. Identifiers: MedGen C0950123, MeSH D030342.

gnomAD v4.1: 3 of 1,602,558 alleles (0.00019%); highest among the groups gnomAD compares: African/African-American, 0.0013%; no homozygotes.

Submissions (2):

Ambry Genetics
Classification: Uncertain significance for Inborn genetic diseases. Last evaluated: 2025-08-05. Review status: criteria provided, single submitter. Criteria: Ambry Variant Classification Scheme 2023. Collection method: clinical testing. Allele origin: germline.

GeneDx
Classification: Uncertain significance. Last evaluated: 2014-10-16. Review status: criteria provided, single submitter. Criteria: GeneDx Variant Classification (06012015). Collection method: clinical testing. Allele origin: germline. Affected: yes.
Comment: The G68A variant has not been published as a mutation, nor has it been reported as a benign polymorphism to our knowledge. It was not observed in approximately 6,500 individuals of European and African American ancestry in the NHLBI Exome Sequencing Project, indicating it is not a common benign variant in these populations. The G68A variant is a conservative amino acid substitution, which is not likely to impact secondary protein structure as these residues share similar properties. However, this substitution occurs at a position that is highly conserved across species in the predicted FHA domain of the protein, and in silico analysis predicts this variant is probably damaging to the protein structure/function. Therefore, based on the currently available information, it is unclear whether this variant is a pathogenic mutation or a rare benign variant. The variant is found in CHILD-EPI panel(s).